The following is an entry in ClinVar:

NM_198576.4(AGRN):c.574_578dup (p.Ser194fs)

Gene: AGRN (agrin; plus strand). Cytogenetic location: 1p36.33.
Variant type: Microsatellite.
Coding change: c.574_578dup on transcript NM_198576.4 (MANE Select); coding-DNA positions 574 to 578, 5 bases duplicated (CGGGC; older notation c.574_578dupCGGGC).
Protein change: p.Ser194fs; shifts the reading frame from serine 194.
Molecular consequence: frameshift variant.
Genome position (GRCh38, 1-based): chr1:1,040,727-1,040,731, CGGGC duplicated; duplicating any 5 consecutive bases within chr1:1,040,718-1,040,731 gives the same sequence; the c. name uses the placement nearest the transcript's 3' end. VCF-style (leftmost placement, unchanged base first): chr1-1040717-G-GGGGCC. GRCh37 (hg19) VCF-style: chr1-976097-G-GGGGCC.
Other names: c.574_578dup, p.Ser194fs (NM_001305275.2); c.259_263dup, p.Ser89fs (NM_001364727.2); short protein forms S194fs, S89fs.
Identifiers: ClinVar variation 666960 (VCV000666960.9), dbSNP rs1570190059, ClinGen allele CA520659380.
Genomic context (GRCh38, chr1:1,040,717, plus strand): 5'-CGCCCCAGCGTGCCGGGGAATGCTGTGCGGCTTCGGCGCCGTGTGCGAGCCCAACGCGGA[G>GGGGCC]GGGCCGGGCCGGGCGTCCTGCGTCTGCAAGAAGAGCCCGTGCCCCAGCGTGGTGGCGCCT-3'

ClinVar aggregate classification (germline): Pathogenic/Likely pathogenic. Review status: criteria provided, multiple submitters, no conflicts (2 of 4 stars). 3 submissions from 3 submitters: Pathogenic (1); Likely pathogenic (2). Last evaluated 2024-07-02.

Conditions:
Congenital myasthenic syndrome 8. Also called: MYASTHENIC SYNDROME, CONGENITAL, DUE TO AGRIN DEFICIENCY; Myasthenic syndrome, congenital, 8, with pre- and postsynaptic defects. Identifiers: Orphanet 590, MedGen C3808739, MONDO:0014052, OMIM 615120.
Congenital myasthenic syndrome (CMS). Also called: Congenital Myasthenic Syndromes. Identifiers: Orphanet 590, MedGen C0751882, MeSH D020294, MONDO:0018940.

Submissions (3):

Revvity Omics, Revvity
Classification: Likely pathogenic for Congenital myasthenic syndrome 8. Last evaluated: 2024-07-02. Review status: criteria provided, single submitter. Criteria: ACMG Guidelines, 2015. Collection method: clinical testing. Allele origin: germline.

Labcorp Genetics (formerly Invitae), Labcorp
Classification: Pathogenic for Congenital myasthenic syndrome 8. Last evaluated: 2023-11-27. Review status: criteria provided, single submitter. Criteria: Invitae Variant Classification Sherloc (09022015). Collection method: clinical testing. Allele origin: germline.
Comment: This sequence change creates a premature translational stop signal (p.Ser194Glyfs*60) in the AGRN gene. It is expected to result in an absent or disrupted protein product. Loss-of-function variants in AGRN are known to be pathogenic (PMID: 24951643). This variant is not present in population databases (gnomAD no frequency). This variant has not been reported in the literature in individuals affected with AGRN-related conditions. ClinVar contains an entry for this variant (Variation ID: 666960). For these reasons, this variant has been classified as Pathogenic.

Laboratory for Molecular Medicine, Mass General Brigham Personalized Medicine
Classification: Likely pathogenic for Congenital myasthenic syndrome. Last evaluated: 2018-12-06. Review status: criteria provided, single submitter. Criteria: LMM Criteria. Collection method: clinical testing. Allele origin: germline. Inheritance: Autosomal recessive inheritance. Observed: 1 variant allele.
Comment: The p.Ser194GlyfsX60 variant in AGRN has not been previously reported in individ uals with congenital myasthenic syndrome or large population studies, though the ability of these studies to accurately detect indels may be limited. This varia nt is predicted to cause a frameshift, which alters the protein?s amino acid seq uence beginning at position 194 and leads to a premature termination codon 60 am ino acids downstream. This alteration is then predicted to lead to a truncated o r absent protein. Frameshift and other loss of function variants in the AGRN gen e have been reported in individuals with autosomal recessive congenital myasthen ic syndrome (Stenson 2017, ClinVar). In summary, although additional studies are required to fully establish its clinical significance, this variant meets crite ria to be classified as likely pathogenic for autosomal recessive congenital mya sthenic syndrome. ACMG/AMP Criteria applied: PVS1_strong, PM2.

Literature cited by the submitters: PubMed 24951643 (cited by Labcorp Genetics (formerly Invitae), Labcorp); PubMed 28349240 (cited by Laboratory for Molecular Medicine, Mass General Brigham Personalized Medicine).